The following is an entry in ClinVar:

ClinVar aggregate classification (germline): Likely benign. Review status: criteria provided, multiple submitters, no conflicts (2 of 4 stars). 2 submissions from 2 submitters: Likely benign (2). Last evaluated 2026-05-10.

Conditions:
CFTR-related disorder (CFTR-RD). Also called: CFTR-related condition; CFTR-related disorders. Identifiers: MedGen C5924204, MONDO:7770004.
Cystic fibrosis (CF). Also called: MUCOVISCIDOSIS. Identifiers: Orphanet 586, MedGen C0010674, MONDO:0009061, OMIM 219700. Disease mechanism: loss of function.

Allele frequency attached by ClinVar (database versions not stated): gnomAD exomes below 0.00001.
gnomAD v4.1: 2 of 1,574,546 alleles (0.00013%); highest among the groups gnomAD compares: Non-Finnish European, 0.000086%; no homozygotes.

Submissions (2):

PreventionGenetics, part of Exact Sciences
Classification: Likely benign for CFTR-related condition. Last evaluated: 2026-05-10. Review status: criteria provided, single submitter. Criteria: ACMG Guidelines, 2015. Collection method: clinical testing. Allele origin: germline.
Comment: This variant is classified as likely benign based on ACMG/AMP sequence variant interpretation guidelines (Richards et al. 2015 PMID: 25741868, with internal and published modifications).

Labcorp Genetics (formerly Invitae), Labcorp
Classification: Likely benign for Cystic fibrosis. Last evaluated: 2019-01-25. Review status: criteria provided, single submitter. Criteria: Invitae Variant Classification Sherloc (09022015). Collection method: clinical testing. Allele origin: germline.

NM_000492.4(CFTR):c.744-8A>C

Gene: CFTR (CF transmembrane conductance regulator; plus strand). Cytogenetic location: 7q31.2.
Variant type: single nucleotide variant.
Coding change: c.744-8A>C on transcript NM_000492.4 (MANE Select); 8 bases into the intron before coding-DNA position 744, A replaced by C.
Molecular consequence: intron variant.
Genome position (GRCh38, 1-based): chr7:117,536,540, A>C. VCF-style: chr7-117536540-A-C. GRCh37 (hg19) VCF-style: chr7-117176594-A-C.
Other names: c.744-8A>C (NM_000492.3).
Identifiers: ClinVar variation 1110246 (VCV001110246.10), dbSNP rs2116678470, ClinGen allele CA2499218673.
Genomic context (GRCh38, chr7:117,536,540, plus strand): 5'-TTCTTAATAGATAATTTGACTTGTTTTTACTATTAGATTGATTGATTGATTGATTGATTG[A>C]TTTACAGAGATCAGAGAGCTGGGAAGATCAGTGAAAGACTTGTGATTACCTCAGAAATGA-3'